The following is an entry in ClinVar:

NM_012470.4(TNPO3):c.1892C>T (p.Thr631Ile)

Gene: TNPO3 (transportin 3; minus strand). Cytogenetic location: 7q32.1.
Variant type: single nucleotide variant.
Coding change: c.1892C>T on transcript NM_012470.4 (MANE Select); coding-DNA position 1892, C replaced by T.
Protein change: p.Thr631Ile; replaces threonine 631 with isoleucine.
Molecular consequence: missense variant. On other transcripts: non-coding transcript variant (14).
Genome position (GRCh38, 1-based): chr7:128,979,999, G>A on the plus strand (C>T on the coding strand, the complement: TNPO3 is on the minus strand). VCF-style: chr7-128979999-G-A. GRCh37 (hg19) VCF-style: chr7-128620053-G-A.
Other names: c.1700C>T, p.Thr567Ile (NM_001191028.3, NM_001382223.1); c.1994C>T, p.Thr665Ile (NM_001382216.1); c.1973C>T, p.Thr658Ile (NM_001382217.1); c.1892C>T, p.Thr631Ile (NM_001382218.1, NM_001382220.1); c.1784C>T, p.Thr595Ile (NM_001382219.1); c.1748C>T, p.Thr583Ile (NM_001382221.1); c.1745C>T, p.Thr582Ile (NM_001382222.1); short protein forms T567I, T658I, T665I, T582I, T583I, T595I, T631I.
Identifiers: ClinVar variation 2150938 (VCV002150938.4), dbSNP rs1435965884, ClinGen allele CA369222509.

ClinVar aggregate classification (germline): Uncertain significance (1 of 4 stars; one submission).

Conditions:
Autosomal dominant limb-girdle muscular dystrophy type 1F (LGMDD2). Also called: Limb-girdle muscular dystrophy, type 1F; MUSCULAR DYSTROPHY, LIMB-GIRDLE, AUTOSOMAL DOMINANT 2. Identifiers: Orphanet 55595, MedGen C1842062, MONDO:0012034, OMIM 608423.

Allele frequency attached by ClinVar (database versions not stated): gnomAD exomes below 0.00001.
gnomAD v4.1: 3 of 1,614,106 alleles (0.00019%); highest among the groups gnomAD compares: Admixed American, 0.0017%; no homozygotes.

Submission:

Labcorp Genetics (formerly Invitae), Labcorp
Classification: Uncertain significance for Autosomal dominant limb-girdle muscular dystrophy type 1F. Last evaluated: 2022-03-06. Review status: criteria provided, single submitter. Criteria: Invitae Variant Classification Sherloc (09022015). Collection method: clinical testing. Allele origin: germline.
Comment: This sequence change replaces threonine, which is neutral and polar, with isoleucine, which is neutral and non-polar, at codon 631 of the TNPO3 protein (p.Thr631Ile). This variant is present in population databases (no rsID available, gnomAD no frequency). This variant has not been reported in the literature in individuals affected with TNPO3-related conditions. Algorithms developed to predict the effect of missense changes on protein structure and function (SIFT, PolyPhen-2, Align-GVGD) all suggest that this variant is likely to be tolerated. In summary, the available evidence is currently insufficient to determine the role of this variant in disease. Therefore, it has been classified as a Variant of Uncertain Significance.